The following is an entry in ClinVar:

NM_020822.3(KCNT1):c.3431C>G (p.Ser1144Cys)

Gene: KCNT1 (potassium sodium-activated channel subfamily T member 1; plus strand). Cytogenetic location: 9q34.3.
Variant type: single nucleotide variant.
Coding change: c.3431C>G on transcript NM_020822.3 (MANE Select); coding-DNA position 3431, C replaced by G.
Protein change: p.Ser1144Cys; replaces serine 1144 with cysteine.
Molecular consequence: missense variant.
Genome position (GRCh38, 1-based): chr9:135,786,450, C>G. VCF-style: chr9-135786450-C-G. GRCh37 (hg19) VCF-style: chr9-138678296-C-G.
Other names: c.3296C>G, p.Ser1099Cys (NM_001272003.2); short protein forms S1099C, S1144C.
Identifiers: ClinVar variation 942238 (VCV000942238.13), dbSNP rs766557144, ClinGen allele CA5327816.

ClinVar aggregate classification (germline): Uncertain significance. Review status: criteria provided, multiple submitters, no conflicts (2 of 4 stars). 3 submissions from 3 submitters: Uncertain significance (2). 1 of the submissions does not count toward it. Last evaluated 2026-01-26.

Conditions:
KCNT1-related disorder. Also called: KCNT1-related condition.
Inborn genetic diseases. Identifiers: MedGen C0950123, MeSH D030342.
Autosomal dominant nocturnal frontal lobe epilepsy 5. Also called: KCNT1-Related Epilepsy; CILIARY DYSKINESIA, PRIMARY, 28, WITHOUT SITUS INVERSUS; CILIARY DYSKINESIA, PRIMARY, 28, WITH SITUS INVERSUS; Epilepsy, nocturnal frontal lobe, 5. Identifiers: Orphanet 98784, MedGen C3554306, MONDO:0014002, OMIM 615005.
Developmental and epileptic encephalopathy, 14 (DEE14). Also called: Early infantile epileptic encephalopathy 14. Identifiers: Orphanet 293181, MedGen C3554195, MONDO:0013989, OMIM 614959.

Allele frequency attached by ClinVar (database versions not stated): gnomAD 0.00001; gnomAD exomes 0.00001; TOPMed 0.00001; ExAC 0.00002.

Submissions (3):

Labcorp Genetics (formerly Invitae), Labcorp
Classification: Uncertain significance for Autosomal dominant nocturnal frontal lobe epilepsy 5; Developmental and epileptic encephalopathy, 14. Last evaluated: 2026-01-26. Review status: criteria provided, single submitter. Criteria: Invitae Variant Classification Sherloc (09022015). Collection method: clinical testing. Allele origin: germline.
Comment: This sequence change replaces serine, which is neutral and polar, with cysteine, which is neutral and slightly polar, at codon 1144 of the KCNT1 protein (p.Ser1144Cys). The frequency data for this variant in the population databases is considered unreliable, as metrics indicate poor data quality at this position in the gnomAD database. This variant has not been reported in the literature in individuals affected with KCNT1-related conditions. ClinVar contains an entry for this variant (Variation ID: 942238). Invitae Evidence Modeling of protein sequence and biophysical properties (such as structural, functional, and spatial information, amino acid conservation, physicochemical variation, residue mobility, and thermodynamic stability) indicates that this missense variant is not expected to disrupt KCNT1 protein function with a negative predictive value of 80%. In summary, the available evidence is currently insufficient to determine the role of this variant in disease. Therefore, it has been classified as a Variant of Uncertain Significance.

Ambry Genetics
Classification: Uncertain significance for Inborn genetic diseases. Last evaluated: 2025-02-13. Review status: criteria provided, single submitter. Criteria: Ambry Variant Classification Scheme 2023. Collection method: clinical testing. Allele origin: germline.

PreventionGenetics, part of Exact Sciences
Classification: Uncertain significance for KCNT1-related condition. Last evaluated: 2024-03-29. Review status: no assertion criteria provided. Collection method: clinical testing. Allele origin: germline. Not counted in ClinVar's aggregate classification.
Comment: The KCNT1 c.3431C>G variant is predicted to result in the amino acid substitution p.Ser1144Cys. To our knowledge, this variant has not been reported in the literature. This variant is reported in 0.015% of alleles in individuals of African descent in gnomAD. At this time, the clinical significance of this variant is uncertain due to the absence of conclusive functional and genetic evidence.